The following is an entry in ClinVar:

ClinVar aggregate classification (germline): Uncertain significance (1 of 4 stars; one submission).

Conditions:
MYH1-related disorder. Also called: MYH1-related condition.

Submission:

PreventionGenetics, part of Exact Sciences
Classification: Uncertain significance for MYH1-related condition. Last evaluated: 2025-05-22. Review status: criteria provided, single submitter. Criteria: ACMG Guidelines, 2015. Collection method: clinical testing. Allele origin: germline.
Comment: The MYH1 c.365T>A variant is predicted to result in the amino acid substitution p.Phe122Tyr. To our knowledge, this variant has not been reported in the literature. This variant is reported in 0.00088% of alleles in individuals of European (non-Finnish) descent in gnomAD. At this time, the clinical significance of this variant is uncertain due to the absence of conclusive functional and genetic evidence.

NM_005963.4(MYH1):c.365T>A (p.Phe122Tyr)

Genes: MYH1 (myosin heavy chain 1; minus strand), MYHAS (myosin heavy chain gene cluster antisense RNA; plus strand). Cytogenetic location: 17p13.1.
Variant type: single nucleotide variant.
Coding change: c.365T>A on transcript NM_005963.4 (MANE Select); coding-DNA position 365, T replaced by A.
Protein change: p.Phe122Tyr; replaces phenylalanine 122 with tyrosine.
Molecular consequence: missense variant.
Genome position (GRCh38, 1-based): chr17:10,516,066, A>T on the plus strand (T>A on the coding strand, the complement: MYH1 is on the minus strand). VCF-style: chr17-10516066-A-T. GRCh37 (hg19) VCF-style: chr17-10419383-A-T.
Other names: short protein forms F122Y.
Identifiers: ClinVar variation 4998433 (VCV004998433.1).